The following is an entry in ClinVar:

NM_001039111.3(TRIM71):c.1452C>G (p.Ala484=)

Gene: TRIM71 (tripartite motif containing 71; plus strand). Cytogenetic location: 3p22.3.
Variant type: single nucleotide variant.
Coding change: c.1452C>G on transcript NM_001039111.3 (MANE Select); coding-DNA position 1452, C replaced by G.
Protein change: p.Ala484=; no amino-acid change (alanine 484 retained).
Molecular consequence: synonymous variant.
Genome position (GRCh38, 1-based): chr3:32,890,656, C>G. VCF-style: chr3-32890656-C-G. GRCh37 (hg19) VCF-style: chr3-32932148-C-G.
Identifiers: ClinVar variation 3048827 (VCV003048827.15), dbSNP rs754169136, ClinGen allele CA2298866.

ClinVar aggregate classification (germline): Likely benign. Review status: criteria provided, single submitter (1 of 4 stars). 2 submissions from 2 submitters: Likely benign (1). 1 of the submissions does not count toward it. Last evaluated 2026-04-01.

Conditions:
TRIM71-related disorder. Also called: TRIM71-related condition.

Allele frequency attached by ClinVar (database versions not stated): TOPMed 0.00014; gnomAD exomes 0.00017; ExAC 0.00022; gnomAD 0.00024; 1000 Genomes Project 30x 0.00031.
gnomAD v4.1: 282 of 1,613,952 alleles (0.017%); highest among the groups gnomAD compares: Non-Finnish European, 0.021%; no homozygotes.

Submissions (2):

CeGaT Center for Human Genetics Tuebingen
Classification: Likely benign. Last evaluated: 2026-04-01. Review status: criteria provided, single submitter. Criteria: CeGaT Center For Human Genetics Tuebingen Variant Classification Criteria Version 2. Collection method: clinical testing. Allele origin: germline. Affected: yes. Observed: 5 variant alleles.
Comment: TRIM71: BP4, BP7

PreventionGenetics, part of Exact Sciences
Classification: Likely benign for TRIM71-related condition. Last evaluated: 2021-03-30. Review status: no assertion criteria provided. Collection method: clinical testing. Allele origin: germline. Not counted in ClinVar's aggregate classification.
Comment: This variant is classified as likely benign based on ACMG/AMP sequence variant interpretation guidelines (Richards et al. 2015 PMID: 25741868, with internal and published modifications).